The following is an entry in ClinVar:

NM_005732.4(RAD50):c.46G>A (p.Gly16Arg)

Gene: RAD50 (RAD50 double strand break repair protein; plus strand). Cytogenetic location: 5q31.1.
Variant type: single nucleotide variant.
Coding change: c.46G>A on transcript NM_005732.4 (MANE Select); coding-DNA position 46, G replaced by A.
Protein change: p.Gly16Arg; replaces glycine 16 with arginine.
Molecular consequence: missense variant.
Genome position (GRCh38, 1-based): chr5:132,557,370, G>A. VCF-style: chr5-132557370-G-A. GRCh37 (hg19) VCF-style: chr5-131893062-G-A.
Other names: short protein forms G16R.
Identifiers: ClinVar variation 1742542 (VCV001742542.3), dbSNP rs1750020437, ClinGen allele CA360951017.

ClinVar aggregate classification (germline): Uncertain significance (1 of 4 stars; one submission).

Conditions:
Hereditary cancer-predisposing syndrome. Also called: Hereditary Cancer Syndrome; Hereditary neoplastic syndrome; Neoplastic Syndromes, Hereditary; Tumor predisposition. Identifiers: Orphanet 140162, MedGen C0027672, MeSH D009386, MONDO:0015356.

Submission:

Ambry Genetics
Classification: Uncertain significance for Hereditary cancer-predisposing syndrome. Last evaluated: 2025-10-30. Review status: criteria provided, single submitter. Criteria: Ambry Variant Classification Scheme 2023. Collection method: clinical testing. Allele origin: germline.
Comment: The p.G16R variant (also known as c.46G>A), located in coding exon 1 of the RAD50 gene, results from a G to A substitution at nucleotide position 46. The glycine at codon 16 is replaced by arginine, an amino acid with dissimilar properties. This amino acid position is highly conserved in available vertebrate species. In addition, the in silico prediction for this alteration is inconclusive. Since supporting evidence is limited at this time, the clinical significance of this alteration remains unclear.